The following is an entry in ClinVar:

ClinVar aggregate classification (germline): Uncertain significance (1 of 4 stars; one submission).

Allele frequency attached by ClinVar (database versions not stated): gnomAD exomes below 0.00001; TOPMed below 0.00001.
gnomAD v4.1: 1 of 1,613,302 alleles (0.000062%); highest among the groups gnomAD compares: Non-Finnish European, 0.000085%; no homozygotes.

Submission:

Labcorp Genetics (formerly Invitae), Labcorp
Classification: Uncertain significance. Last evaluated: 2023-08-23. Review status: criteria provided, single submitter. Criteria: Invitae Variant Classification Sherloc (09022015). Collection method: clinical testing. Allele origin: germline.
Comment: This variant has not been reported in the literature in individuals affected with LMBR1-related conditions. This variant is not present in population databases (gnomAD no frequency). This sequence change replaces leucine, which is neutral and non-polar, with tryptophan, which is neutral and slightly polar, at codon 354 of the LMBR1 protein (p.Leu354Trp). In summary, the available evidence is currently insufficient to determine the role of this variant in disease. Therefore, it has been classified as a Variant of Uncertain Significance. Algorithms developed to predict the effect of sequence changes on RNA splicing suggest that this variant may create or strengthen a splice site. Advanced modeling of protein sequence and biophysical properties (such as structural, functional, and spatial information, amino acid conservation, physicochemical variation, residue mobility, and thermodynamic stability) performed at Invitae indicates that this missense variant is not expected to disrupt LMBR1 protein function.

NM_022458.4(LMBR1):c.1061T>G (p.Leu354Trp)

Gene: LMBR1 (limb development membrane protein 1; minus strand). Cytogenetic location: 7q36.3.
Variant type: single nucleotide variant.
Coding change: c.1061T>G on transcript NM_022458.4 (MANE Select); coding-DNA position 1061, T replaced by G.
Protein change: p.Leu354Trp; replaces leucine 354 with tryptophan.
Molecular consequence: missense variant. On other transcripts: non-coding transcript variant (2).
Genome position (GRCh38, 1-based): chr7:156,725,770, A>C on the plus strand (T>G on the coding strand, the complement: LMBR1 is on the minus strand). VCF-style: chr7-156725770-A-C. GRCh37 (hg19) VCF-style: chr7-156518464-A-C.
Other names: c.605T>G, p.Leu202Trp (NM_001350958.2, NM_001363413.2, NM_001350955.2 and 1 more transcripts); c.1184T>G, p.Leu395Trp (NM_001363409.2, NM_001350953.2); c.1061T>G, p.Leu354Trp (NM_001363410.2); c.692T>G, p.Leu231Trp (NM_001363411.2, NM_001350957.2); c.998T>G, p.Leu333Trp (NM_001363412.2); c.782T>G, p.Leu261Trp (NM_001350954.2); short protein forms L231W, L354W, L395W, L202W, L333W, L261W.
Identifiers: ClinVar variation 2754687 (VCV002754687.3), dbSNP rs1243701564, ClinGen allele CA370145127.